The following is an entry in ClinVar:

NM_138409.4(MRAP2):c.261G>T (p.Met87Ile)

Gene: MRAP2 (melanocortin 2 receptor accessory protein 2; plus strand). Cytogenetic location: 6q14.2.
Variant type: single nucleotide variant.
Coding change: c.261G>T on transcript NM_138409.4 (MANE Select); coding-DNA position 261, G replaced by T.
Protein change: p.Met87Ile; replaces methionine 87 with isoleucine.
Molecular consequence: missense variant. On other transcripts: initiator codon variant (1).
Genome position (GRCh38, 1-based): chr6:84,089,124, G>T. VCF-style: chr6-84089124-G-T. GRCh37 (hg19) VCF-style: chr6-84798843-G-T.
Other names: c.3G>T, p.Met1Ile (NM_001346541.2); c.261G>T, p.Met87Ile (NM_001346542.2, NM_001346544.2); c.96G>T, p.Met32Ile (NM_001346543.2); short protein forms M1I, M32I, M87I.
Identifiers: ClinVar variation 4983464 (VCV004983464.1).

ClinVar aggregate classification (germline): Uncertain significance (1 of 4 stars; one submission).

Conditions:
MRAP2-related disorder. Also called: MRAP2-related condition.

gnomAD v4.1: 2 of 1,613,796 alleles (0.00012%); highest among the groups gnomAD compares: African/African-American, 0.0027%; no homozygotes.

Submission:

PreventionGenetics, part of Exact Sciences
Classification: Uncertain significance for MRAP2-related condition. Last evaluated: 2025-05-01. Review status: criteria provided, single submitter. Criteria: ACMG Guidelines, 2015. Collection method: clinical testing. Allele origin: germline.
Comment: The MRAP2 c.3G>T variant is predicted to disrupt the translation initiation site (Start loss). To our knowledge, this variant has not been reported in the literature. This variant is reported in 0.011% of alleles in individuals of African descent in gnomAD. At this time, the clinical significance of this variant is uncertain due to the absence of conclusive functional and genetic evidence.